The following is an entry in ClinVar:

ClinVar aggregate classification (germline): Uncertain significance (1 of 4 stars; one submission).

Conditions:
Leber congenital amaurosis 13 (LCA13). Identifiers: MedGen C2675186, MONDO:0012990, OMIM 612712.

Allele frequency attached by ClinVar (database versions not stated): TOPMed below 0.00001.

Submission:

Labcorp Genetics (formerly Invitae), Labcorp
Classification: Uncertain significance for Leber congenital amaurosis 13. Last evaluated: 2022-03-10. Review status: criteria provided, single submitter. Criteria: Invitae Variant Classification Sherloc (09022015). Collection method: clinical testing. Allele origin: germline.
Comment: This sequence change replaces valine, which is neutral and non-polar, with glycine, which is neutral and non-polar, at codon 255 of the RDH12 protein (p.Val255Gly). This variant is not present in population databases (gnomAD no frequency). This variant has not been reported in the literature in individuals affected with RDH12-related conditions. Algorithms developed to predict the effect of missense changes on protein structure and function are either unavailable or do not agree on the potential impact of this missense change (SIFT: "Deleterious"; PolyPhen-2: "Benign"; Align-GVGD: "Class C25"). In summary, the available evidence is currently insufficient to determine the role of this variant in disease. Therefore, it has been classified as a Variant of Uncertain Significance.

NM_152443.3(RDH12):c.764T>G (p.Val255Gly)

Genes: ZFYVE26 (zinc finger FYVE-type containing 26; minus strand), GPHN (gephyrin; plus strand), RDH12 (retinol dehydrogenase 12; plus strand). Cytogenetic location: 14q24.1.
Variant type: single nucleotide variant.
Coding change: c.764T>G on transcript NM_152443.3 (MANE Select); coding-DNA position 764, T replaced by G.
Protein change: p.Val255Gly; replaces valine 255 with glycine.
Molecular consequence: missense variant.
Genome position (GRCh38, 1-based): chr14:67,729,296, T>G. VCF-style: chr14-67729296-T-G. GRCh37 (hg19) VCF-style: chr14-68196013-T-G.
Other names: short protein forms V255G.
Identifiers: ClinVar variation 2154207 (VCV002154207.1), dbSNP rs2038235364, ClinGen allele CA390153056.